The following is an entry in ClinVar:

NM_000918.4(P4HB):c.449T>C (p.Val150Ala)

Gene: P4HB (prolyl 4-hydroxylase subunit beta; minus strand). Cytogenetic location: 17q25.3.
Variant type: single nucleotide variant.
Coding change: c.449T>C on transcript NM_000918.4 (MANE Select); coding-DNA position 449, T replaced by C.
Protein change: p.Val150Ala; replaces valine 150 with alanine.
Molecular consequence: missense variant.
Genome position (GRCh38, 1-based): chr17:81,855,490, A>G on the plus strand (T>C on the coding strand, the complement: P4HB is on the minus strand). VCF-style: chr17-81855490-A-G. GRCh37 (hg19) VCF-style: chr17-79813366-A-G.
Other names: short protein forms V150A.
Identifiers: ClinVar variation 1500327 (VCV001500327.8), dbSNP rs2143354338, ClinGen allele CA401515872.
Genomic context (GRCh38, chr17:81,855,490, plus strand): 5'-GACTGGAATGCTCTGGTCTCTACCTTGAAGAAGCCGATGACAGCCACCTCGCTGGACTCC[A>G]CCAAGGACTCTGCAGCTGCGCCGTCAGGCAGGGTGGTGGCAGCCGGGCCCGTGCGCTTCT-3'
Protein context (NP_000909.2, residues 140-160): LPDGAAAESL[Val150Ala]ESSEVAVIGF

ClinVar aggregate classification (germline): Uncertain significance (1 of 4 stars; one submission).

Allele frequency attached by ClinVar (database versions not stated): gnomAD exomes 0.00001.

Submission:

Labcorp Genetics (formerly Invitae), Labcorp
Classification: Uncertain significance. Last evaluated: 2021-01-04. Review status: criteria provided, single submitter. Criteria: Invitae Variant Classification Sherloc (09022015). Collection method: clinical testing. Allele origin: germline.
Comment: In summary, the available evidence is currently insufficient to determine the role of this variant in disease. Therefore, it has been classified as a Variant of Uncertain Significance. Algorithms developed to predict the effect of missense changes on protein structure and function (SIFT, PolyPhen-2, Align-GVGD) all suggest that this variant is likely to be tolerated, but these predictions have not been confirmed by published functional studies and their clinical significance is uncertain. This variant has not been reported in the literature in individuals with P4HB-related conditions. This variant is not present in population databases (ExAC no frequency). This sequence change replaces valine with alanine at codon 150 of the P4HB protein (p.Val150Ala). The valine residue is moderately conserved and there is a small physicochemical difference between valine and alanine.